The following is an entry in ClinVar:

ClinVar aggregate classification (germline): Pathogenic (1 of 4 stars; one submission).

Conditions:
Clark-Baraitser syndrome. Also called: BARAITSER SYNDROME; Mental retardation, tall stature, obesity, macrocephaly and typical facial features; Intellectual disability, autosomal dominant 49; MENTAL RETARDATION, AUTOSOMAL DOMINANT 49. Identifiers: Orphanet 600731, MedGen C2931130, MONDO:0030914, OMIM 617752.

Submission:

Rady Children's Institute for Genomic Medicine, Rady Children's Hospital San Diego
Classification: Pathogenic for CLARK-BARAITSER SYNDROME. Review status: criteria provided, single submitter. Criteria: ACMG Guidelines, 2015. Collection method: clinical testing. Allele origin: germline. Affected: yes.
Comment: This frameshifting variant in exon 27 of 50 introduces a premature stop codon and is therefore predicted to result in loss of normal protein function through either protein truncation or nonsense-mediated mRNA decay (NMD). This variant has not been previously reported or functionally characterized in the literature to our knowledge. Loss-of-function variation in TRIP12 is reported in individuals with Clark-Baraitser syndrome (PMID: 27848077, 28251352). The c.4092del (p.Gln1365SerfsTer20) variant is absent from the gnomAD population database and thus is presumed to be rare. Analysis of the parental samples was negative for the variant, indicating this variant likely occurred as a de novo event. Based on the available evidence, the c.4092del (p.Gln1365SerfsTer20) variant is classified as Pathogenic.

NM_001348323.3(TRIP12):c.4317del (p.Gln1440fs)

Gene: TRIP12 (thyroid hormone receptor interactor 12; minus strand). Cytogenetic location: 2q36.3.
Variant type: Deletion.
Coding change: c.4317del on transcript NM_001348323.3 (MANE Select); coding-DNA position 4317, one base deleted (G; older notation c.4317delG).
Protein change: p.Gln1440fs; shifts the reading frame from glutamine 1440.
Molecular consequence: frameshift variant.
Genome position (GRCh38, 1-based): chr2:229,791,964, C deleted on the plus strand (G on the coding strand, the reverse complement: TRIP12 is on the minus strand); the first of 2 consecutive C bases (chr2:229,791,964-229,791,965); deleting either gives the same sequence. VCF-style (leftmost placement, unchanged base first): chr2-229791963-GC-G. GRCh37 (hg19) VCF-style: chr2-230656679-GC-G.
Other names: c.4236del, p.Gln1413fs (NM_001284214.2, NM_001348315.2); c.4191del, p.Gln1398fs (NM_001284215.2, NM_001348316.2); c.3282del, p.Gln1095fs (NM_001284216.2); c.4176del, p.Gln1393fs (NM_001348317.1, NM_001348318.2); c.4302del, p.Gln1435fs (NM_001348319.1, NM_001348320.2); c.4305del, p.Gln1436fs (NM_001348321.1); c.4317del, p.Gln1440fs (NM_001348322.1, NM_001348324.2, NM_001348325.2 and 2 more transcripts); c.4320del, p.Gln1441fs (NM_001348328.1, NM_001348329.2, NM_001348330.2); and 4 more; short protein forms Q1095fs, Q1365fs, Q1366fs, Q1393fs, Q1398fs, Q1406fs, Q1413fs, Q1414fs.
Identifiers: ClinVar variation 2584503 (VCV002584503.1), dbSNP rs2471174164, ClinGen allele CA2582342829.